The following is an entry in ClinVar:

ClinVar aggregate classification (germline): Uncertain significance (1 of 4 stars; one submission).

Conditions:
Gorlin syndrome. Also called: Basal cell nevus syndrome; Nevoid Basal Cell Carcinoma Syndrome. Identifiers: Orphanet 377, MedGen C0004779, MONDO:0007187.

Submission:

Labcorp Genetics (formerly Invitae), Labcorp
Classification: Uncertain significance for Gorlin syndrome. Last evaluated: 2024-12-24. Review status: criteria provided, single submitter. Criteria: Invitae Variant Classification Sherloc (09022015). Collection method: clinical testing. Allele origin: germline.
Comment: This sequence change replaces glutamic acid, which is acidic and polar, with glutamine, which is neutral and polar, at codon 604 of the PTCH1 protein (p.Glu604Gln). This variant is not present in population databases (gnomAD no frequency). This variant has not been reported in the literature in individuals affected with PTCH1-related conditions. Invitae Evidence Modeling of protein sequence and biophysical properties (such as structural, functional, and spatial information, amino acid conservation, physicochemical variation, residue mobility, and thermodynamic stability) has been performed for this missense variant. However, the output from this modeling did not meet the statistical confidence thresholds required to predict the impact of this variant on PTCH1 protein function. In summary, the available evidence is currently insufficient to determine the role of this variant in disease. Therefore, it has been classified as a Variant of Uncertain Significance.

NM_000264.5(PTCH1):c.1810G>C (p.Glu604Gln)

Genes: PTCH1 (patched 1; minus strand), LOC100507346 (uncharacterized LOC100507346; plus strand). Cytogenetic location: 9q22.32.
Variant type: single nucleotide variant.
Coding change: c.1810G>C on transcript NM_000264.5 (MANE Select); coding-DNA position 1810, G replaced by C.
Protein change: p.Glu604Gln; replaces glutamic acid 604 with glutamine.
Molecular consequence: missense variant. On other transcripts: non-coding transcript variant (2).
Genome position (GRCh38, 1-based): chr9:95,469,850, C>G on the plus strand (G>C on the coding strand, the complement: PTCH1 is on the minus strand). VCF-style: chr9-95469850-C-G. GRCh37 (hg19) VCF-style: chr9-98232132-C-G.
Other names: c.1612G>C, p.Glu538Gln (NM_001083602.3); c.1807G>C, p.Glu603Gln (NM_001083603.3); c.1357G>C, p.Glu453Gln (NM_001083604.3, NM_001083605.3, NM_001083606.3 and 1 more transcripts); c.1654G>C, p.Glu552Gln (NM_001354918.2); short protein forms E538Q, E552Q, E603Q, E604Q, E453Q.
Identifiers: ClinVar variation 3719141 (VCV003719141.2).